The following is an entry in ClinVar:

NM_001297595.2(SIN3B):c.1266+415G>A

Gene: SIN3B (SIN3 transcription regulator family member B; plus strand). Cytogenetic location: 19p13.11.
Variant type: single nucleotide variant.
Coding change: c.1266+415G>A on transcript NM_001297595.2 (MANE Select); 415 bases into the intron after coding-DNA position 1266, G replaced by A.
Molecular consequence: intron variant. On other transcripts: missense variant (1).
Genome position (GRCh38, 1-based): chr19:16,862,974, G>A. VCF-style: chr19-16862974-G-A. GRCh37 (hg19) VCF-style: chr19-16973785-G-A.
Other names: c.1357G>A, p.Ala453Thr (NM_015260.4); short protein forms A453T.
Identifiers: ClinVar variation 5037070 (VCV005037070.1).

ClinVar aggregate classification (germline): Uncertain significance (1 of 4 stars; one submission).

Submission:

GeneDx
Classification: Uncertain significance. Last evaluated: 2026-04-11. Review status: criteria provided, single submitter. Criteria: GeneDx Variant Classification Process June 2021. Collection method: clinical testing. Allele origin: germline.
Comment: Not observed at significant frequency in large population cohorts (gnomAD); In silico analysis suggests that this missense variant does not alter protein structure/function; Has not been previously published as pathogenic or benign to our knowledge